The following is an entry in ClinVar:

NM_015512.5(DNAH1):c.7747C>G (p.Leu2583Val)

Gene: DNAH1 (dynein axonemal heavy chain 1; plus strand). Cytogenetic location: 3p21.1.
Variant type: single nucleotide variant.
Coding change: c.7747C>G on transcript NM_015512.5 (MANE Select); coding-DNA position 7747, C replaced by G.
Protein change: p.Leu2583Val; replaces leucine 2583 with valine.
Molecular consequence: missense variant.
Genome position (GRCh38, 1-based): chr3:52,381,778, C>G. VCF-style: chr3-52381778-C-G. GRCh37 (hg19) VCF-style: chr3-52415794-C-G.
Other names: short protein forms L2583V.
Identifiers: ClinVar variation 665457 (VCV000665457.6), dbSNP rs1578180369, ClinGen allele CA353180393.

ClinVar aggregate classification (germline): Uncertain significance (1 of 4 stars; one submission).

Conditions:
Spermatogenic failure 18. Identifiers: MedGen C4539783, MONDO:0054615, OMIM 617576.
Ciliary dyskinesia, primary, 37 (CILD37). Also called: CILIARY DYSKINESIA, PRIMARY, 37, WITH OR WITHOUT SITUS INVERSUS. Identifiers: MedGen C4539798, MONDO:0033204, OMIM 617577.

Allele frequency attached by ClinVar (database versions not stated): gnomAD exomes below 0.00001.
gnomAD v4.1: 1 of 1,606,338 alleles (0.000062%); highest among the groups gnomAD compares: Non-Finnish European, 0.000085%; no homozygotes.

Submission:

Labcorp Genetics (formerly Invitae), Labcorp
Classification: Uncertain significance for Ciliary dyskinesia, primary, 37; Spermatogenic failure 18. Last evaluated: 2018-11-20. Review status: criteria provided, single submitter. Criteria: Invitae Variant Classification Sherloc (09022015). Collection method: clinical testing. Allele origin: germline.
Comment: In summary, the available evidence is currently insufficient to determine the role of this variant in disease. Therefore, it has been classified as a Variant of Uncertain Significance. Algorithms developed to predict the effect of missense changes on protein structure and function are either unavailable or do not agree on the potential impact of this missense change (SIFT: "Deleterious"; PolyPhen-2: "Probably Damaging"; Align-GVGD: "Class C0"). This variant has not been reported in the literature in individuals with DNAH1-related disease. This variant is not present in population databases (ExAC no frequency). This sequence change replaces leucine with valine at codon 2583 of the DNAH1 protein (p.Leu2583Val). The leucine residue is highly conserved and there is a small physicochemical difference between leucine and valine.